The following is an entry in ClinVar:

NM_004304.5(ALK):c.82C>G (p.Arg28Gly)

Gene: ALK (ALK receptor tyrosine kinase; minus strand). Cytogenetic location: 2p23.1.
Variant type: single nucleotide variant.
Coding change: c.82C>G on transcript NM_004304.5 (MANE Select); coding-DNA position 82, C replaced by G.
Protein change: p.Arg28Gly; replaces arginine 28 with glycine.
Molecular consequence: missense variant.
Genome position (GRCh38, 1-based): chr2:29,920,578, G>C on the plus strand (C>G on the coding strand, the complement: ALK is on the minus strand). VCF-style: chr2-29920578-G-C. GRCh37 (hg19) VCF-style: chr2-30143444-G-C.
Other names: short protein forms R28G.
Identifiers: ClinVar variation 957941 (VCV000957941.10), dbSNP rs1060500231, ClinGen allele CA346590726.

ClinVar aggregate classification (germline): Conflicting classifications of pathogenicity. Review status: criteria provided, conflicting classifications (1 of 4 stars). 2 submissions from 2 submitters: Uncertain significance (1); Likely benign (1). Last evaluated 2025-02-20.

Conditions:
Hereditary cancer-predisposing syndrome. Also called: Hereditary neoplastic syndrome; Tumor predisposition; Neoplastic Syndromes, Hereditary; Hereditary Cancer Syndrome. Identifiers: Orphanet 140162, MedGen C0027672, MeSH D009386, MONDO:0015356.
Neuroblastoma, susceptibility to, 3. Also called: ALK-Related Neuroblastic Tumor Susceptibility. Identifiers: Orphanet 635, MedGen C2751681, MONDO:0013083, OMIM 613014.

Submissions (2):

Ambry Genetics
Classification: Likely benign for Hereditary cancer-predisposing syndrome. Last evaluated: 2025-02-20. Review status: criteria provided, single submitter. Criteria: Ambry Variant Classification Scheme 2023. Collection method: clinical testing. Allele origin: germline.

Labcorp Genetics (formerly Invitae), Labcorp
Classification: Uncertain significance for Neuroblastoma, susceptibility to, 3. Last evaluated: 2019-10-22. Review status: criteria provided, single submitter. Criteria: Invitae Variant Classification Sherloc (09022015). Collection method: clinical testing. Allele origin: germline.
Comment: Algorithms developed to predict the effect of missense changes on protein structure and function (SIFT, PolyPhen-2, Align-GVGD) all suggest that this variant is likely to be tolerated, but these predictions have not been confirmed by published functional studies and their clinical significance is uncertain. In summary, the available evidence is currently insufficient to determine the role of this variant in disease. Therefore, it has been classified as a Variant of Uncertain Significance. This variant has not been reported in the literature in individuals with ALK-related conditions. This variant is not present in population databases (ExAC no frequency). This sequence change replaces arginine with glycine at codon 28 of the ALK protein (p.Arg28Gly). The arginine residue is weakly conserved and there is a moderate physicochemical difference between arginine and glycine.